The following is an entry in ClinVar:

ClinVar aggregate classification (germline): Uncertain significance (1 of 4 stars; one submission).

Conditions:
Hereditary cancer-predisposing syndrome. Also called: Neoplastic Syndromes, Hereditary; Tumor predisposition; Hereditary Cancer Syndrome; Hereditary neoplastic syndrome. Identifiers: Orphanet 140162, MedGen C0027672, MeSH D009386, MONDO:0015356.

Submission:

Ambry Genetics
Classification: Uncertain significance for Hereditary cancer-predisposing syndrome. Last evaluated: 2026-03-15. Review status: criteria provided, single submitter. Criteria: Ambry Variant Classification Scheme 2023. Collection method: clinical testing. Allele origin: germline.
Comment: The p.L275R variant (also known as c.824T>G), located in coding exon 6 of the POLD1 gene, results from a T to G substitution at nucleotide position 824. The leucine at codon 275 is replaced by arginine, an amino acid with dissimilar properties. This amino acid position is conserved. In addition, this alteration is predicted to be tolerated by in silico analysis. Based on the available evidence, the clinical significance of this variant remains unclear.

NM_002691.4(POLD1):c.824T>G (p.Leu275Arg)

Gene: POLD1 (DNA polymerase delta 1, catalytic subunit; plus strand). Cytogenetic location: 19q13.33.
Variant type: single nucleotide variant.
Coding change: c.824T>G on transcript NM_002691.4 (MANE Select); coding-DNA position 824, T replaced by G.
Protein change: p.Leu275Arg; replaces leucine 275 with arginine.
Molecular consequence: missense variant. On other transcripts: non-coding transcript variant (1).
Genome position (GRCh38, 1-based): chr19:50,402,519, T>G. VCF-style: chr19-50402519-T-G. GRCh37 (hg19) VCF-style: chr19-50905776-T-G.
Other names: c.824T>G, p.Leu275Arg (NM_001256849.1, NM_001308632.1, NM_001438210.1 and 3 more transcripts); short protein forms L275R.
Identifiers: ClinVar variation 4862163 (VCV004862163.1).